The following is an entry in ClinVar:

ClinVar aggregate classification (germline): Uncertain significance (1 of 4 stars; one submission).

Conditions:
Gastrointestinal stromal tumor. Also called: Gastrointestinal stroma tumor; Gastrointestinal stromal tumor, somatic. Identifiers: Orphanet 44890, MedGen C0238198, MeSH D046152, MONDO:0011719, OMIM 606764, HP:0100723.

Submission:

Labcorp Genetics (formerly Invitae), Labcorp
Classification: Uncertain significance for Gastrointestinal stromal tumor. Last evaluated: 2022-08-07. Review status: criteria provided, single submitter. Criteria: Invitae Variant Classification Sherloc (09022015). Collection method: clinical testing. Allele origin: germline.
Comment: This sequence change replaces alanine, which is neutral and non-polar, with glycine, which is neutral and non-polar, at codon 701 of the KIT protein (p.Ala701Gly). Algorithms developed to predict the effect of missense changes on protein structure and function are either unavailable or do not agree on the potential impact of this missense change (SIFT: "Deleterious"; PolyPhen-2: "Benign"; Align-GVGD: "Class C0"). In summary, the available evidence is currently insufficient to determine the role of this variant in disease. Therefore, it has been classified as a Variant of Uncertain Significance. This variant has not been reported in the literature in individuals affected with KIT-related conditions. This variant is not present in population databases (gnomAD no frequency).

NM_000222.3(KIT):c.2102C>G (p.Ala701Gly)

Gene: KIT (KIT proto-oncogene, receptor tyrosine kinase; plus strand). Cytogenetic location: 4q12.
Variant type: single nucleotide variant.
Coding change: c.2102C>G on transcript NM_000222.3 (MANE Select); coding-DNA position 2102, C replaced by G.
Protein change: p.Ala701Gly; replaces alanine 701 with glycine.
Molecular consequence: missense variant.
Genome position (GRCh38, 1-based): chr4:54,729,446, C>G. VCF-style: chr4-54729446-C-G. GRCh37 (hg19) VCF-style: chr4-55595612-C-G.
Other names: c.2090C>G, p.Ala697Gly (NM_001093772.2, NM_001385286.1); c.2105C>G, p.Ala702Gly (NM_001385284.1, NM_001385290.1); c.2102C>G, p.Ala701Gly (NM_001385285.1); c.2093C>G, p.Ala698Gly (NM_001385288.1, NM_001385292.1); short protein forms A697G, A698G, A701G, A702G.
Identifiers: ClinVar variation 1715442 (VCV001715442.6), dbSNP rs2109786828, ClinGen allele CA356909759.
Genomic context (GRCh38, chr4:54,729,446, plus strand): 5'-TTTTGAGAAGAAAACGTGATTCATTTATTTGTTCAAAGCAGGAAGATCATGCAGAAGCTG[C>G]ACTTTATAAGAATCTTCTGCATTCAAAGGAGTCTTCCTGGTAAGACTGATTTACATAAAT-3'
Protein context (NP_000213.1, residues 691-711): CSKQEDHAEA[Ala701Gly]LYKNLLHSKE